The following is an entry in ClinVar:

NM_004082.5(DCTN1):c.2755A>G (p.Ser919Gly)

Gene: DCTN1 (dynactin subunit 1; minus strand). Cytogenetic location: 2p13.1.
Variant type: single nucleotide variant.
Coding change: c.2755A>G on transcript NM_004082.5 (MANE Select); coding-DNA position 2755, A replaced by G.
Protein change: p.Ser919Gly; replaces serine 919 with glycine.
Molecular consequence: missense variant. On other transcripts: non-coding transcript variant (1).
Genome position (GRCh38, 1-based): chr2:74,366,249, T>C on the plus strand (A>G on the coding strand, the complement: DCTN1 is on the minus strand). VCF-style: chr2-74366249-T-C. GRCh37 (hg19) VCF-style: chr2-74593376-T-C.
Other names: c.2695A>G, p.Ser899Gly (NM_001135040.3); c.2353A>G, p.Ser785Gly (NM_001135041.3, NM_023019.4); c.2644A>G, p.Ser882Gly (NM_001190836.2); c.2734A>G, p.Ser912Gly (NM_001190837.2); c.2704A>G, p.Ser902Gly (NM_001378991.1); c.2686A>G, p.Ser896Gly (NM_001378992.1); short protein forms S912G, S899G, S902G, S882G, S896G, S785G, S919G.
Identifiers: ClinVar variation 4791352 (VCV004791352.1).

ClinVar aggregate classification (germline): Uncertain significance (1 of 4 stars; one submission).

Conditions:
Amyotrophic lateral sclerosis type 1 (ALS1). Also called: AMYOTROPHIC LATERAL SCLEROSIS 1, FAMILIAL. Identifiers: Orphanet 803, MedGen C1862939, MONDO:0007103, OMIM 105400.
Neuronopathy, distal hereditary motor, type 7B. Also called: HMN VIIB; LOWER MOTOR NEURON DISEASE, DYNACTIN TYPE; NEURONOPATHY, DISTAL HEREDITARY MOTOR, AUTOSOMAL DOMINANT 14; NEURONOPATHY, DISTAL HEREDITARY MOTOR, HARDING TYPE VIIB; NEUROPATHY, DISTAL HEREDITARY MOTOR, HARDING TYPE VIIB; NEUROPATHY, DISTAL HEREDITARY MOTOR, WITH VOCAL CORD PARALYSIS, HARDING TYPE VIIB. Identifiers: Orphanet 139589, MedGen C1843315, MONDO:0011879, OMIM 607641.
Perry syndrome. Also called: PARKINSONISM WITH ALVEOLAR HYPOVENTILATION AND MENTAL DEPRESSION. Identifiers: Orphanet 178509, MedGen C1868594, MONDO:0008201, OMIM 168605.

gnomAD v4.1: 1 of 1,614,112 alleles (0.000062%); highest among the groups gnomAD compares: Non-Finnish European, 0.000085%; no homozygotes.

Submission:

Labcorp Genetics (formerly Invitae), Labcorp
Classification: Uncertain significance for Amyotrophic lateral sclerosis type 1; Neuronopathy, distal hereditary motor, type 7B; Perry syndrome. Last evaluated: 2025-10-02. Review status: criteria provided, single submitter. Criteria: Invitae Variant Classification Sherloc (09022015). Collection method: clinical testing. Allele origin: germline.
Comment: This sequence change replaces serine, which is neutral and polar, with glycine, which is neutral and non-polar, at codon 919 of the DCTN1 protein (p.Ser919Gly). This variant is not present in population databases (gnomAD no frequency). This variant has not been reported in the literature in individuals affected with DCTN1-related conditions. Invitae Evidence Modeling of protein sequence and biophysical properties (such as structural, functional, and spatial information, amino acid conservation, physicochemical variation, residue mobility, and thermodynamic stability) indicates that this missense variant is not expected to disrupt DCTN1 protein function with a negative predictive value of 95%. In summary, the available evidence is currently insufficient to determine the role of this variant in disease. Therefore, it has been classified as a Variant of Uncertain Significance.